The following is an entry in ClinVar:

NM_003924.4(PHOX2B):c.749C>G (p.Ala250Gly)

Genes: PHOX2B (paired like homeobox 2B; minus strand), LOC110011216 (paired like homeobox 2b polyalanine repeat instability region; plus strand). Cytogenetic location: 4p13.
Variant type: single nucleotide variant.
Coding change: c.749C>G on transcript NM_003924.4 (MANE Select); coding-DNA position 749, C replaced by G.
Protein change: p.Ala250Gly; replaces alanine 250 with glycine.
Molecular consequence: missense variant.
Genome position (GRCh38, 1-based): chr4:41,746,003, G>C on the plus strand (C>G on the coding strand, the complement: PHOX2B is on the minus strand). VCF-style: chr4-41746003-G-C. GRCh37 (hg19) VCF-style: chr4-41748020-G-C.
Other names: short protein forms A250G.
Identifiers: ClinVar variation 575056 (VCV000575056.10), dbSNP rs765803171, ClinGen allele CA2901447.

ClinVar aggregate classification (germline): Conflicting classifications of pathogenicity. Review status: criteria provided, conflicting classifications (1 of 4 stars). 2 submissions from 2 submitters: Uncertain significance (1); Likely benign (1). Last evaluated 2023-08-10.

Conditions:
Hereditary cancer-predisposing syndrome. Also called: Neoplastic Syndromes, Hereditary; Hereditary Cancer Syndrome; Tumor predisposition; Hereditary neoplastic syndrome. Identifiers: Orphanet 140162, MedGen C0027672, MeSH D009386, MONDO:0015356.
Haddad syndrome (OHD). Also called: Ondine-Hirschsprung disease. Identifiers: Orphanet 99803, MedGen C1859049, MONDO:0020493.

Allele frequency attached by ClinVar (database versions not stated): TOPMed below 0.00001; gnomAD exomes 0.00029; ExAC 0.00132.

Submissions (2):

Labcorp Genetics (formerly Invitae), Labcorp
Classification: Uncertain significance for Haddad syndrome. Last evaluated: 2023-08-10. Review status: criteria provided, single submitter. Criteria: Invitae Variant Classification Sherloc (09022015). Collection method: clinical testing. Allele origin: germline.
Comment: In summary, the available evidence is currently insufficient to determine the role of this variant in disease. Therefore, it has been classified as a Variant of Uncertain Significance. Experimental studies and prediction algorithms are not available or were not evaluated, and the functional significance of this variant is currently unknown. ClinVar contains an entry for this variant (Variation ID: 575056). This variant has not been reported in the literature in individuals affected with PHOX2B-related conditions. The frequency data for this variant in the population databases is considered unreliable, as metrics indicate poor data quality at this position in the gnomAD database. This sequence change replaces alanine, which is neutral and non-polar, with glycine, which is neutral and non-polar, at codon 250 of the PHOX2B protein (p.Ala250Gly).

Ambry Genetics
Classification: Likely benign for Hereditary cancer-predisposing syndrome. Last evaluated: 2022-08-24. Review status: criteria provided, single submitter. Criteria: Ambry Variant Classification Scheme 2023. Collection method: clinical testing. Allele origin: germline.